The following is an entry in ClinVar:

ClinVar aggregate classification (germline): Uncertain significance. Review status: criteria provided, multiple submitters, no conflicts (2 of 4 stars). 2 submissions from 2 submitters: Uncertain significance (2). Last evaluated 2025-02-25.

Conditions:
Hereditary cancer-predisposing syndrome. Also called: Hereditary Cancer Syndrome; Tumor predisposition; Hereditary neoplastic syndrome; Neoplastic Syndromes, Hereditary. Identifiers: Orphanet 140162, MedGen C0027672, MeSH D009386, MONDO:0015356.

gnomAD v4.1: 2 of 1,588,412 alleles (0.00013%); highest among the groups gnomAD compares: Non-Finnish European, 0.00017%; no homozygotes.

Submissions (2):

Labcorp Genetics (formerly Invitae), Labcorp
Classification: Uncertain significance. Last evaluated: 2025-02-25. Review status: criteria provided, single submitter. Criteria: Invitae Variant Classification Sherloc (09022015). Collection method: clinical testing. Allele origin: germline.
Comment: This sequence change replaces proline, which is neutral and non-polar, with histidine, which is basic and polar, at codon 25 of the NTHL1 protein (p.Pro25His). This variant is not present in population databases (gnomAD no frequency). This variant has not been reported in the literature in individuals affected with NTHL1-related conditions. ClinVar contains an entry for this variant (Variation ID: 645677). An algorithm developed to predict the effect of missense changes on protein structure and function (PolyPhen-2) suggests that this variant is likely to be tolerated. In summary, the available evidence is currently insufficient to determine the role of this variant in disease. Therefore, it has been classified as a Variant of Uncertain Significance.

Ambry Genetics
Classification: Uncertain significance for Hereditary cancer-predisposing syndrome. Last evaluated: 2021-02-26. Review status: criteria provided, single submitter. Criteria: Ambry Variant Classification Scheme 2023. Collection method: clinical testing. Allele origin: germline.
Comment: The p.P25H variant (also known as c.74C>A), located in coding exon 1 of the NTHL1 gene, results from a C to A substitution at nucleotide position 74. The proline at codon 25 is replaced by histidine, an amino acid with similar properties. This amino acid position is not well conserved in available vertebrate species. In addition, this alteration is predicted to be tolerated by in silico analysis. Since supporting evidence is limited at this time, the clinical significance of this alteration remains unclear.

NM_002528.7(NTHL1):c.50C>A (p.Pro17His)

Gene: NTHL1 (nth like DNA glycosylase 1; minus strand). Cytogenetic location: 16p13.3.
Variant type: single nucleotide variant.
Coding change: c.50C>A on transcript NM_002528.7 (MANE Select); coding-DNA position 50, C replaced by A.
Protein change: p.Pro17His; replaces proline 17 with histidine.
Molecular consequence: missense variant. On other transcripts: 5 prime UTR variant (1).
Genome position (GRCh38, 1-based): chr16:2,047,774, G>T on the plus strand (C>A on the coding strand, the complement: NTHL1 is on the minus strand). VCF-style: chr16-2047774-G-T. GRCh37 (hg19) VCF-style: chr16-2097775-G-T.
Other names: c.50C>A, p.Pro17His (LRG_1366t1, NM_001318193.2); c.-129C>A (NM_001318194.2); short protein forms P17H.
Identifiers: ClinVar variation 645677 (VCV000645677.7), dbSNP rs1343729377, ClinGen allele CA394298499.